The following is an entry in ClinVar:

ClinVar aggregate classification (germline): Benign/Likely benign. Review status: criteria provided, multiple submitters, no conflicts (2 of 4 stars). 7 submissions from 7 submitters: Benign (2); Likely benign (4). 1 of the submissions does not count toward it. Last evaluated 2025-12-01.

Conditions:
RECQL-related disorder. Also called: RECQL-related condition.
Hereditary cancer-predisposing syndrome. Also called: Neoplastic Syndromes, Hereditary; Hereditary neoplastic syndrome; Tumor predisposition; Hereditary Cancer Syndrome. Identifiers: Orphanet 140162, MedGen C0027672, MeSH D009386, MONDO:0015356.

Allele frequency attached by ClinVar (database versions not stated): 1000 Genomes Project 0.00020; ExAC 0.00028; 1000 Genomes Project 30x 0.00031; ESP Exome Variant Server 0.00085; gnomAD 0.00098 and 0.00110; TOPMed 0.00098.
gnomAD v4.1: 254 of 1,594,306 alleles (0.016%); highest among the groups gnomAD compares: African/African-American, 0.32%; 2 homozygotes.

Submissions (7):

Labcorp Genetics (formerly Invitae), Labcorp
Classification: Likely benign. Last evaluated: 2025-12-01. Review status: criteria provided, single submitter. Criteria: Invitae Variant Classification Sherloc (09022015). Collection method: clinical testing. Allele origin: germline.

Quest Diagnostics Nichols Institute San Juan Capistrano
Classification: Benign. Last evaluated: 2025-05-28. Review status: criteria provided, single submitter. Criteria: Quest Diagnostics criteria. Collection method: clinical testing. Allele origin: unknown.

Blueprint Genetics
Classification: Likely benign. Last evaluated: 2024-06-26. Review status: criteria provided, single submitter. Criteria: ACMG Guidelines, 2015. Collection method: clinical testing. Allele origin: germline.

Mendelics
Classification: Benign for Hereditary cancer-predisposing syndrome. Last evaluated: 2023-08-22. Review status: criteria provided, single submitter. Criteria: Mendelics Assertion Criteria 2019. Collection method: clinical testing. Allele origin: germline.

Ambry Genetics
Classification: Likely benign. Last evaluated: 2022-02-12. Review status: criteria provided, single submitter. Criteria: Ambry Variant Classification Scheme 2023. Collection method: clinical testing. Allele origin: germline.

GeneDx
Classification: Likely benign. Last evaluated: 2020-06-29. Review status: criteria provided, single submitter. Criteria: GeneDx Variant Classification Process June 2021. Collection method: clinical testing. Allele origin: germline. Affected: yes.

PreventionGenetics, part of Exact Sciences
Classification: Likely benign for RECQL-related condition. Last evaluated: 2022-03-18. Review status: no assertion criteria provided. Collection method: clinical testing. Allele origin: germline. Not counted in ClinVar's aggregate classification.
Comment: This variant is classified as likely benign based on ACMG/AMP sequence variant interpretation guidelines (Richards et al. 2015 PMID: 25741868, with internal and published modifications).

NM_002907.4(RECQL):c.1215A>C (p.Ala405=)

Gene: RECQL (RecQ like helicase; minus strand). Cytogenetic location: 12p12.1.
Variant type: single nucleotide variant.
Coding change: c.1215A>C on transcript NM_002907.4 (MANE Select); coding-DNA position 1215, A replaced by C.
Protein change: p.Ala405=; no amino-acid change (alanine 405 retained).
Molecular consequence: synonymous variant.
Genome position (GRCh38, 1-based): chr12:21,475,469, T>G on the plus strand (A>C on the coding strand, the complement: RECQL is on the minus strand). VCF-style: chr12-21475469-T-G. GRCh37 (hg19) VCF-style: chr12-21628403-T-G.
Other names: c.1215A>C, p.Ala405= (NM_032941.3).
Identifiers: ClinVar variation 515023 (VCV000515023.22), dbSNP rs147610182, ClinGen allele CA6478831.
Genomic context (GRCh38, chr12:21,475,469, plus strand): 5'-TCATGTATTTTTTGGAAAAGCTTTCTAAAAATTTACTTCTGGATTTGAGTCCTACATACC[T>G]GCACGTCCACTCTCTTGGTAATAATTTTCCATGGATTTACTCATTGAATGATGGATAACA-3'
Protein context (NP_002898.2, residues 395-415): MENYYQESGR[Ala405=]GRDDMKADCI